The following is an entry in ClinVar:

ClinVar aggregate classification (germline): Uncertain significance (1 of 4 stars; one submission).

Submission:

Women's Health and Genetics/Laboratory Corporation of America, LabCorp
Classification: Uncertain significance. Last evaluated: 2024-08-23. Review status: criteria provided, single submitter. Criteria: LabCorp Variant Classification Summary - May 2015. Collection method: clinical testing. Allele origin: germline.
Comment: Variant summary: SUPT16H c.-1T>A is located in the untranslated mRNA region upstream of the initiation codon. The variant was absent in 251444 control chromosomes. The available data on variant occurrences in the general population are insufficient to allow any conclusion about variant significance. To our knowledge, no occurrence of c.-1T>A in individuals affected with Neurodevelopmental Disorder With Dysmorphic Facies And Thin Corpus Callosum and no experimental evidence demonstrating its impact on protein function have been reported. No submitters have cited clinical-significance assessments for this variant to ClinVar. Based on the evidence outlined above, the variant was classified as uncertain significance.

NM_007192.4(SUPT16H):c.-1T>A

Gene: SUPT16H (SPT16 homolog, facilitates chromatin remodeling subunit; minus strand). Cytogenetic location: 14q11.2.
Variant type: single nucleotide variant.
Coding change: c.-1T>A on transcript NM_007192.4 (MANE Select); 1 bases upstream of the start codon, T replaced by A.
Molecular consequence: 5 prime UTR variant.
Genome position (GRCh38, 1-based): chr14:21,383,928, A>T on the plus strand (T>A on the coding strand, the complement: SUPT16H is on the minus strand). VCF-style: chr14-21383928-A-T. GRCh37 (hg19) VCF-style: chr14-21852087-A-T.
Identifiers: ClinVar variation 3366616 (VCV003366616.1).